The following is an entry in ClinVar:

NM_206933.4(USH2A):c.1167C>A (p.Phe389Leu)

Gene: USH2A (usherin; minus strand). Cytogenetic location: 1q41.
Variant type: single nucleotide variant.
Coding change: c.1167C>A on transcript NM_206933.4 (MANE Select); coding-DNA position 1167, C replaced by A.
Protein change: p.Phe389Leu; replaces phenylalanine 389 with leucine.
Molecular consequence: missense variant.
Genome position (GRCh38, 1-based): chr1:216,324,329, G>T on the plus strand (C>A on the coding strand, the complement: USH2A is on the minus strand). VCF-style: chr1-216324329-G-T. GRCh37 (hg19) VCF-style: chr1-216497671-G-T.
Other names: c.1167C>A, p.Phe389Leu (NM_007123.6); short protein forms F389L.
Identifiers: ClinVar variation 3341821 (VCV003341821.16).

ClinVar aggregate classification (germline): Uncertain significance (1 of 4 stars; one submission).

gnomAD v4.1: 7 of 1,611,776 alleles (0.00043%); highest among the groups gnomAD compares: Admixed American, 0.005%; no homozygotes.

Submission:

CeGaT Center for Human Genetics Tuebingen
Classification: Uncertain significance. Last evaluated: 2024-08-01. Review status: criteria provided, single submitter. Criteria: CeGaT Center For Human Genetics Tuebingen Variant Classification Criteria Version 2. Collection method: clinical testing. Allele origin: germline. Affected: yes. Observed: 1 variant allele.
Comment: USH2A: PM2